The following is an entry in ClinVar:

ClinVar aggregate classification (germline): Uncertain significance (1 of 4 stars; one submission).

Conditions:
Pheochromocytoma. Also called: MAX-Related Hereditary Paraganglioma-Pheochromocytoma Syndrome. Identifiers: Orphanet 29072, MedGen C0031511, MONDO:0008233, OMIM 171300, HP:0002666.
Gastrointestinal stromal tumor. Also called: Gastrointestinal stromal tumor, somatic; Gastrointestinal stroma tumor. Identifiers: Orphanet 44890, MedGen C0238198, MeSH D046152, MONDO:0011719, OMIM 606764, HP:0100723.
Pheochromocytoma/paraganglioma syndrome 4. Also called: CAROTID BODY TUMORS AND MULTIPLE EXTRAADRENAL PHEOCHROMOCYTOMAS; SDHB-Related Hereditary Paraganglioma-Pheochromocytoma Syndrome (Paragangliomas 4); Paragangliomas 4; SDHB-Related Hereditary Paraganglioma-Pheochromocytoma Syndrome; PARAGANGLIOMA, FAMILIAL MALIGNANT; PARAGANGLIOMAS, HEREDITARY EXTRAADRENAL. Identifiers: Orphanet 29072, MedGen C1861848, MONDO:0007273, OMIM 115310.

Submission:

Labcorp Genetics (formerly Invitae), Labcorp
Classification: Uncertain significance for Gastrointestinal stromal tumor; Pheochromocytoma/paraganglioma syndrome 4; Pheochromocytoma. Last evaluated: 2020-09-24. Review status: criteria provided, single submitter. Criteria: Invitae Variant Classification Sherloc (09022015). Collection method: clinical testing. Allele origin: germline.
Comment: In summary, the available evidence is currently insufficient to determine the role of this variant in disease. Therefore, it has been classified as a Variant of Uncertain Significance. Advanced modeling of protein sequence and biophysical properties (such as structural, functional, and spatial information, amino acid conservation, physicochemical variation, residue mobility, and thermodynamic stability) performed at Invitae indicates that this missense variant is not expected to disrupt SDHB protein function. This variant has not been reported in the literature in individuals with SDHB-related conditions. This variant is not present in population databases (ExAC no frequency). This sequence change replaces valine with isoleucine at codon 124 of the SDHB protein (p.Val124Ile). The valine residue is moderately conserved and there is a small physicochemical difference between valine and isoleucine.

NM_003000.3(SDHB):c.370G>A (p.Val124Ile)

Gene: SDHB (succinate dehydrogenase complex iron sulfur subunit B; minus strand). Cytogenetic location: 1p36.13.
Variant type: single nucleotide variant.
Coding change: c.370G>A on transcript NM_003000.3 (MANE Select); coding-DNA position 370, G replaced by A.
Protein change: p.Val124Ile; replaces valine 124 with isoleucine.
Molecular consequence: missense variant.
Genome position (GRCh38, 1-based): chr1:17,028,653, C>T on the plus strand (G>A on the coding strand, the complement: SDHB is on the minus strand). VCF-style: chr1-17028653-C-T. GRCh37 (hg19) VCF-style: chr1-17355148-C-T.
Other names: short protein forms V124I.
Identifiers: ClinVar variation 1045983 (VCV001045983.5), dbSNP rs978525560, ClinGen allele CA338274431.